The following is an entry in ClinVar:

ClinVar aggregate classification (germline): Pathogenic. Review status: criteria provided, multiple submitters, no conflicts (2 of 4 stars). 2 submissions from 2 submitters: Pathogenic (2). Last evaluated 2024-01-04.

Conditions:
Charlevoix-Saguenay spastic ataxia (SACS). Also called: Spastic ataxia of Charlevoix-Saguenay; AUTOSOMAL RECESSIVE SPASTIC ATAXIA OF CHARLEVOIX-SAGUENAY; SPASTIC ATAXIA 6, AUTOSOMAL RECESSIVE. Identifiers: Orphanet 98, MedGen C1849140, MONDO:0010041, OMIM 270550.
Spastic paraplegia. Identifiers: MedGen C0037772, HP:0001258.

Allele frequency attached by ClinVar (database versions not stated): gnomAD exomes below 0.00001.

Submissions (2):

Labcorp Genetics (formerly Invitae), Labcorp
Classification: Pathogenic for Spastic paraplegia. Last evaluated: 2024-01-04. Review status: criteria provided, single submitter. Criteria: Invitae Variant Classification Sherloc (09022015). Collection method: clinical testing. Allele origin: germline.
Comment: This sequence change creates a premature translational stop signal (p.Ser397Lysfs*9) in the SACS gene. It is expected to result in an absent or disrupted protein product. Loss-of-function variants in SACS are known to be pathogenic (PMID: 18465152, 20876471). This variant is not present in population databases (gnomAD no frequency). This premature translational stop signal has been observed in individual(s) with spastic ataxia of Charlevoix-Saguenay (PMID: 23250129). For these reasons, this variant has been classified as Pathogenic.

Baylor Genetics
Classification: Pathogenic for Charlevoix-Saguenay spastic ataxia. Last evaluated: 2023-03-20. Review status: criteria provided, single submitter. Criteria: ACMG Guidelines, 2015. Collection method: clinical testing. Allele origin: unknown.

Literature cited by the submitters: PubMed 18465152 (cited by Labcorp Genetics (formerly Invitae), Labcorp); PubMed 20876471 (cited by Labcorp Genetics (formerly Invitae), Labcorp); PubMed 23250129 (cited by Labcorp Genetics (formerly Invitae), Labcorp).

NM_014363.6(SACS):c.1189dup (p.Ser397fs)

Gene: SACS (sacsin molecular chaperone; minus strand). Cytogenetic location: 13q12.12.
Variant type: Duplication.
Coding change: c.1189dup on transcript NM_014363.6 (MANE Select); coding-DNA position 1189, one base duplicated (A; older notation c.1189dupA).
Protein change: p.Ser397fs; shifts the reading frame from serine 397.
Molecular consequence: frameshift variant.
Genome position (GRCh38, 1-based): chr13:23,355,423, T duplicated on the plus strand (A on the coding strand, the reverse complement: SACS is on the minus strand). VCF-style (leftmost placement, unchanged base first): chr13-23355422-C-CT. GRCh37 (hg19) VCF-style: chr13-23929561-C-CT.
Other names: c.748dup, p.Ser250fs (NM_001278055.2); short protein forms S250fs, S397fs.
Identifiers: ClinVar variation 2678554 (VCV002678554.4), dbSNP rs2542398873, ClinGen allele CA2622331282.